The following is an entry in ClinVar:

ClinVar aggregate classification (germline): Benign/Likely benign. Review status: criteria provided, multiple submitters, no conflicts (2 of 4 stars). 2 submissions from 2 submitters: Benign (1); Likely benign (1). Last evaluated 2025-09-11.

Conditions:
ARSI-related disorder. Also called: ARSI-related condition.
Spastic paraplegia. Identifiers: MedGen C0037772, HP:0001258.

Allele frequency attached by ClinVar (database versions not stated): gnomAD exomes 0.00027; ExAC 0.00029; ESP Exome Variant Server 0.00070; 1000 Genomes Project 30x 0.00094; 1000 Genomes Project 0.00100; gnomAD 0.00102 and 0.00111; TOPMed 0.00122.

Submissions (2):

PreventionGenetics, part of Exact Sciences
Classification: Likely benign for ARSI-related condition. Last evaluated: 2025-09-11. Review status: criteria provided, single submitter. Criteria: ACMG Guidelines, 2015. Collection method: clinical testing. Allele origin: germline.
Comment: This variant is classified as likely benign based on ACMG/AMP sequence variant interpretation guidelines (Richards et al. 2015 PMID: 25741868, with internal and published modifications).

Labcorp Genetics (formerly Invitae), Labcorp
Classification: Benign for Spastic paraplegia. Last evaluated: 2025-07-28. Review status: criteria provided, single submitter. Criteria: Invitae Variant Classification Sherloc (09022015). Collection method: clinical testing. Allele origin: germline.

NM_001012301.4(ARSI):c.378G>A (p.Leu126=)

Gene: ARSI (arylsulfatase family member I; minus strand). Cytogenetic location: 5q32.
Variant type: single nucleotide variant.
Coding change: c.378G>A on transcript NM_001012301.4 (MANE Select); coding-DNA position 378, G replaced by A.
Protein change: p.Leu126=; no amino-acid change (leucine 126 retained).
Molecular consequence: synonymous variant.
Genome position (GRCh38, 1-based): chr5:150,298,546, C>T on the plus strand (G>A on the coding strand, the complement: ARSI is on the minus strand). VCF-style: chr5-150298546-C-T. GRCh37 (hg19) VCF-style: chr5-149678109-C-T.
Other names: c.378G>A (NM_001012301.3).
Identifiers: ClinVar variation 705995 (VCV000705995.10), dbSNP rs113307962, ClinGen allele CA3510348.